The following is an entry in ClinVar:

NM_015570.4(AUTS2):c.2419C>G (p.Pro807Ala)

Gene: AUTS2 (activator of transcription and developmental regulator AUTS2; plus strand). Cytogenetic location: 7q11.22.
Variant type: single nucleotide variant.
Coding change: c.2419C>G on transcript NM_015570.4 (MANE Select); coding-DNA position 2419, C replaced by G.
Protein change: p.Pro807Ala; replaces proline 807 with alanine.
Molecular consequence: missense variant.
Genome position (GRCh38, 1-based): chr7:70,787,319, C>G. VCF-style: chr7-70787319-C-G. GRCh37 (hg19) VCF-style: chr7-70252305-C-G.
Other names: c.2347C>G, p.Pro783Ala (NM_001127231.3); short protein forms P783A, P807A.
Identifiers: ClinVar variation 4881373 (VCV004881373.2).

ClinVar aggregate classification (germline): Uncertain significance (1 of 4 stars; one submission).

Submission:

Dasa
Classification: Uncertain significance. Last evaluated: 2025-06-27. Review status: criteria provided, single submitter. Criteria: DASA Assertion Criteria. Collection method: clinical testing. Allele origin: germline.
Comment: NM_015570.4(AUTS2):c.2419C>G (p.Pro807Ala) is a missense variant that results in the substitution of proline with alanine. This variant is absent from population databases. Computational prediction algorithms are consistent with a benign effect. The currently available literature and clinical evidence are not sufficient to establish a definitive association between this variant and the reported condition. Therefore, this variant is classified as a variant of uncertain significance.